The following is an entry in ClinVar:

NM_000059.4(BRCA2):c.5824del (p.Val1942fs)

Gene: BRCA2 (BRCA2 DNA repair associated; plus strand). Cytogenetic location: 13q13.1.
Variant type: Deletion.
Coding change: c.5824del on transcript NM_000059.4 (MANE Select); coding-DNA position 5824, one base deleted (G; older notation c.5824delG).
Protein change: p.Val1942fs; shifts the reading frame from valine 1942.
Molecular consequence: frameshift variant. On other transcripts: non-coding transcript variant (1), intron variant (2).
Genome position (GRCh38, 1-based): chr13:32,340,179, G deleted. VCF-style (leftmost placement, unchanged base first): chr13-32340178-AG-A. GRCh37 (hg19) VCF-style: chr13-32914315-AG-A.
Other names: c.5824del, p.Val1942fs (NM_001406719.1, NM_001406720.1); c.1910-4379del (NM_001406721.1); c.425-4379del (NM_001406722.1); short protein forms V1942fs.
Identifiers: ClinVar variation 2746616 (VCV002746616.3), dbSNP rs2548531846, ClinGen allele CA2697551802.

ClinVar aggregate classification (germline): Pathogenic (1 of 4 stars; one submission).

Conditions:
Hereditary breast ovarian cancer syndrome. Also called: BRCA1- and BRCA2-Associated Hereditary Breast and Ovarian Cancer; Breast and ovarian cancer; Hereditary breast and/or ovarian cancer syndrome; Hereditary breast and ovarian cancer; Hereditary breast and ovarian cancer syndrome (HBOC); Hereditary breast and ovarian cancer syndrome. Identifiers: Orphanet 145, MedGen C0677776, MeSH D061325, MONDO:0003582. Disease mechanism: loss of function.

Submission:

Labcorp Genetics (formerly Invitae), Labcorp
Classification: Pathogenic for Hereditary breast ovarian cancer syndrome. Last evaluated: 2025-09-03. Review status: criteria provided, single submitter. Criteria: Invitae Variant Classification Sherloc (09022015). Collection method: clinical testing. Allele origin: germline.
Comment: This sequence change creates a premature translational stop signal (p.Val1942Phefs*21) in the BRCA2 gene. It is expected to result in an absent or disrupted protein product. Loss-of-function variants in BRCA2 are known to be pathogenic (PMID: 20104584). This variant is not present in population databases (gnomAD no frequency). This premature translational stop signal has been observed in individual(s) with breast and/or ovarian cancer (PMID: 10644434, 29084914). ClinVar contains an entry for this variant (Variation ID: 2746616). For these reasons, this variant has been classified as Pathogenic.

Literature cited by the submitters: PubMed 20104584; PubMed 10644434; PubMed 29084914.